The following is an entry in ClinVar:

NM_000722.4(CACNA2D1):c.482A>T (p.Tyr161Phe)

Gene: CACNA2D1 (calcium voltage-gated channel auxiliary subunit alpha2delta 1; minus strand). Cytogenetic location: 7q21.11.
Variant type: single nucleotide variant.
Coding change: c.482A>T on transcript NM_000722.4 (MANE Select); coding-DNA position 482, A replaced by T.
Protein change: p.Tyr161Phe; replaces tyrosine 161 with phenylalanine.
Molecular consequence: missense variant.
Genome position (GRCh38, 1-based): chr7:82,117,088, T>A on the plus strand (A>T on the coding strand, the complement: CACNA2D1 is on the minus strand). VCF-style: chr7-82117088-T-A. GRCh37 (hg19) VCF-style: chr7-81746404-T-A.
Other names: c.482A>T, p.Tyr161Phe (NM_001302890.2, NM_001366867.1); short protein forms Y161F.
Identifiers: ClinVar variation 2562084 (VCV002562084.6), dbSNP rs752496490, ClinGen allele CA4318352.

ClinVar aggregate classification (germline): Uncertain significance. Review status: criteria provided, multiple submitters, no conflicts (2 of 4 stars). 2 submissions from 2 submitters: Uncertain significance (2). Last evaluated 2025-11-09.

Conditions:
Cardiovascular phenotype. Identifiers: MedGen CN230736.
Brugada syndrome. Also called: Sudden Unexplained Death Syndrome; Sudden Unexplained Nocturnal Death Syndrome (SUNDS); Sudden unexplained nocturnal death syndrome; Sudden unexpected nocturnal death syndrome. Identifiers: Orphanet 130, MedGen C1142166, MONDO:0015263.

Allele frequency attached by ClinVar (database versions not stated): gnomAD exomes 0.00001; gnomAD 0.00001; ExAC 0.00001; TOPMed 0.00002.
gnomAD v4.1: 9 of 1,613,838 alleles (0.00056%); highest among the groups gnomAD compares: Admixed American, 0.015%; no homozygotes.

Submissions (2):

Labcorp Genetics (formerly Invitae), Labcorp
Classification: Uncertain significance for Brugada syndrome. Last evaluated: 2025-11-09. Review status: criteria provided, single submitter. Criteria: Invitae Variant Classification Sherloc (09022015). Collection method: clinical testing. Allele origin: germline.
Comment: This sequence change replaces tyrosine, which is neutral and polar, with phenylalanine, which is neutral and non-polar, at codon 161 of the CACNA2D1 protein (p.Tyr161Phe). This variant is present in population databases (rs752496490, gnomAD 0.02%). This variant has not been reported in the literature in individuals affected with CACNA2D1-related conditions. ClinVar contains an entry for this variant (Variation ID: 2562084). An algorithm developed to predict the effect of missense changes on protein structure and function (PolyPhen-2) suggests that this variant is likely to be tolerated. In summary, the available evidence is currently insufficient to determine the role of this variant in disease. Therefore, it has been classified as a Variant of Uncertain Significance.

Ambry Genetics
Classification: Uncertain significance for Cardiovascular phenotype. Last evaluated: 2025-09-17. Review status: criteria provided, single submitter. Criteria: Ambry Variant Classification Scheme 2023. Collection method: clinical testing. Allele origin: germline.
Comment: The p.Y161F variant (also known as c.482A>T), located in coding exon 6 of the CACNA2D1 gene, results from an A to T substitution at nucleotide position 482. The tyrosine at codon 161 is replaced by phenylalanine, an amino acid with highly similar properties. This amino acid position is conserved. In addition, this alteration is predicted to be tolerated by in silico analysis. Since supporting evidence is limited at this time, the clinical significance of this alteration remains unclear.